The following is an entry in ClinVar:

ClinVar aggregate classification (germline): Pathogenic. Review status: criteria provided, multiple submitters, no conflicts (2 of 4 stars). 6 submissions from 6 submitters: Pathogenic (4). 2 of the submissions do not count toward it. Last evaluated 2023-03-24.

Conditions:
FOXL2-related disorders.
BLEPHAROPHIMOSIS, PTOSIS, AND EPICANTHUS INVERSUS, TYPE I. Also called: BPES I; Blepharophimosis syndrome type 1; BPES with ovarian failure; Blepharophimosis, ptosis, and epicanthus inversus syndrome type 1. Identifiers: MedGen C2931135.
Blepharophimosis, ptosis, and epicanthus inversus syndrome. Identifiers: Orphanet 126, MedGen C0220663, MONDO:0007201, OMIM 110100.
Premature ovarian failure 3 (POF3). Identifiers: MedGen C1837008, MONDO:0012169, OMIM 608996.

Submissions (6):

Labcorp Genetics (formerly Invitae), Labcorp
Classification: Pathogenic. Last evaluated: 2023-03-24. Review status: criteria provided, single submitter. Criteria: Invitae Variant Classification Sherloc (09022015). Collection method: clinical testing. Allele origin: germline.
Comment: For these reasons, this variant has been classified as Pathogenic. This variant disrupts a region of the FOXL2 protein in which other variant(s) (p.His311Tyr) have been determined to be pathogenic (PMID: 30029625). This suggests that this is a clinically significant region of the protein, and that variants that disrupt it are likely to be disease-causing. ClinVar contains an entry for this variant (Variation ID: 4853). This premature translational stop signal has been observed in individuals with blepharophimosis, ptosis, and epicanthus inversus syndrome (PMID: 11175783, 30198434). This variant is not present in population databases (gnomAD no frequency). This sequence change creates a premature translational stop signal (p.Gln219*) in the FOXL2 gene. While this is not anticipated to result in nonsense mediated decay, it is expected to disrupt the last 158 amino acid(s) of the FOXL2 protein.

Blueprint Genetics
Classification: Pathogenic for FOXL2-related disorders. Last evaluated: 2022-10-06. Review status: criteria provided, single submitter. Criteria: ACMG Guidelines, 2015. Collection method: clinical testing. Allele origin: germline. Affected: yes. Observed: 1 variant allele.

Genomic Diagnostic Laboratory, Division of Genomic Diagnostics, Children's Hospital of Philadelphia
Classification: Pathogenic for Blepharophimosis, ptosis, and epicanthus inversus syndrome. Last evaluated: 2016-11-03. Review status: criteria provided, single submitter. Criteria: DGD Variant Analysis Guidelines. Collection method: clinical testing. Allele origin: germline. Affected: yes. Observed: 6 variant alleles.
Comment: Clinical Testing

Juno Genomics, Hangzhou Juno Genomics, Inc
Classification: Pathogenic for Blepharophimosis, ptosis, and epicanthus inversus syndrome; Premature ovarian failure 3. Review status: criteria provided, single submitter. Criteria: ACMG Guidelines, 2015. Collection method: clinical testing. Allele origin: germline. Affected: yes.
Comment: Null variant in a gene where loss of function (LOF) is a known mechanism of disease.;Absent from controls (or at extremely low frequency if recessive) in Genome Aggregation Database, Exome Sequencing Project, 1000 Genomes Project, or Exome Aggregation Consortium.;The prevalence of the variant in affected individuals is significantly increased compared to the prevalence in controls.;Co-segregation with disease in multiple affected family members in a gene definitively known to cause the disease.;Well-established in vitro or in vivo functional studies supportive of a damaging effect on the gene or gene product.;Patient's phenotype or family history is highly specific for a disease with a single genetic etiology.

OMIM
Classification: Pathogenic for BLEPHAROPHIMOSIS, PTOSIS, AND EPICANTHUS INVERSUS, TYPE I. Last evaluated: 2001-02-01. Review status: no assertion criteria provided. Collection method: literature only. Allele origin: germline. Not counted in ClinVar's aggregate classification.

GeneReviews
No classification provided. Condition: Blepharophimosis, ptosis, and epicanthus inversus syndrome. Review status: no classification provided. Collection method: literature only. Allele origin: germline. Affected: yes. Not counted in ClinVar's aggregate classification.

Literature cited by the submitters: PubMed 30029625 (cited by Labcorp Genetics (formerly Invitae), Labcorp); PubMed 11175783 (cited by Labcorp Genetics (formerly Invitae), Labcorp and OMIM); PubMed 30198434 (cited by Labcorp Genetics (formerly Invitae), Labcorp); NCBI Bookshelf NBK1441 (cited by GeneReviews).

NM_023067.4(FOXL2):c.655C>T (p.Gln219Ter)

Gene: FOXL2 (forkhead box L2; minus strand). Cytogenetic location: 3q22.3.
Variant type: single nucleotide variant.
Coding change: c.655C>T on transcript NM_023067.4 (MANE Select); coding-DNA position 655, C replaced by T.
Protein change: p.Gln219Ter; replaces glutamine 219 with a stop codon.
Molecular consequence: nonsense.
Genome position (GRCh38, 1-based): chr3:138,946,068, G>A on the plus strand (C>T on the coding strand, the complement: FOXL2 is on the minus strand). VCF-style: chr3-138946068-G-A. GRCh37 (hg19) VCF-style: chr3-138664910-G-A.
Other names: short protein forms Q219*.
Identifiers: ClinVar variation 4853 (VCV000004853.9), dbSNP rs104893741, ClinGen allele CA210680.